The following is an entry in ClinVar:

ClinVar aggregate classification (germline): Uncertain significance. Review status: reviewed by expert panel (3 of 4 stars). 2 submissions from 2 submitters: Uncertain significance (1). 1 of the submissions does not count toward it. Last evaluated 2024-08-12.

Conditions:
Hereditary thrombocytopenia and hematologic cancer predisposition syndrome. Identifiers: Orphanet 71290, MedGen CN281654, MONDO:0011071.
Hereditary thrombocytopenia and hematological cancer predisposition syndrome associated with RUNX1. Also called: PLATELET DISORDER, ASPIRIN-LIKE; Familial Platelet Disorder with Propensity to Acute Myelogenous Leukemia; Familial thrombocytopenia with propensity to acute myelogenous leukemia; RUNX1 Familial Platelet Disorder with Associated Myeloid Malignancies. Identifiers: Orphanet 71290, MedGen C1832388, MeSH C563324, MONDO:0100083, OMIM 601399.

Allele frequency attached by ClinVar (database versions not stated): TOPMed below 0.00001; gnomAD 0.00001.
gnomAD v4.1: 1 of 1,614,086 alleles (0.000062%); highest among the groups gnomAD compares: African/African-American, 0.0013%; no homozygotes.

Submissions (2):

ClinGen Myeloid Malignancy Variant Curation Expert Panel
Classification: Uncertain significance for Hereditary thrombocytopenia and hematologic cancer predisposition syndrome. Last evaluated: 2024-08-12. Review status: reviewed by expert panel. Criteria: ClinGen MyeloMalig ACMG Specifications v2. Collection method: curation. Allele origin: germline. Inheritance: Autosomal dominant inheritance.
Comment: NM_001754.5(RUNX1):c.884C>T (p.Ser295Phe) is a missense variant which does not meet any ACMG/AMP criteria. In summary, the clinical significance of this variant is uncertain. ACMG/AMP criteria applied, as specified by the Myeloid Malignancy Variant Curation Expert Panel for RUNX1: None.

Labcorp Genetics (formerly Invitae), Labcorp
Classification: Uncertain significance for Hereditary thrombocytopenia and hematological cancer predisposition syndrome associated with RUNX1. Last evaluated: 2025-11-17. Review status: criteria provided, single submitter. Criteria: Invitae Variant Classification Sherloc (09022015). Collection method: clinical testing. Allele origin: germline. Not counted in ClinVar's aggregate classification.
Comment: This sequence change replaces serine, which is neutral and polar, with phenylalanine, which is neutral and non-polar, at codon 295 of the RUNX1 protein (p.Ser295Phe). This variant is not present in population databases (gnomAD no frequency). This variant has not been reported in the literature in individuals affected with RUNX1-related conditions. ClinVar contains an entry for this variant (Variation ID: 938322). Invitae Evidence Modeling of protein sequence and biophysical properties (such as structural, functional, and spatial information, amino acid conservation, physicochemical variation, residue mobility, and thermodynamic stability) has been performed for this missense variant. However, the output from this modeling did not meet the statistical confidence thresholds required to predict the impact of this variant on RUNX1 protein function. In summary, the available evidence is currently insufficient to determine the role of this variant in disease. Therefore, it has been classified as a Variant of Uncertain Significance.

NM_001754.5(RUNX1):c.884C>T (p.Ser295Phe)

Gene: RUNX1 (RUNX family transcription factor 1; minus strand). Cytogenetic location: 21q22.12.
Variant type: single nucleotide variant.
Coding change: c.884C>T on transcript NM_001754.5 (MANE Select); coding-DNA position 884, C replaced by T.
Protein change: p.Ser295Phe; replaces serine 295 with phenylalanine.
Molecular consequence: missense variant.
Genome position (GRCh38, 1-based): chr21:34,799,384, G>A on the plus strand (C>T on the coding strand, the complement: RUNX1 is on the minus strand). VCF-style: chr21-34799384-G-A. GRCh37 (hg19) VCF-style: chr21-36171681-G-A.
Other names: NM_001754.5(RUNX1):c.884C>T; p.Ser295Phe; c.803C>T, p.Ser268Phe (NM_001001890.3); short protein forms S295F, S268F.
Identifiers: ClinVar variation 938322 (VCV000938322.10), dbSNP rs1054355302, ClinGen allele CA320255546.